The following is an entry in ClinVar:

ClinVar aggregate classification (germline): Likely benign (0 of 4 stars; one submission).

Conditions:
NSD2-related disorder. Also called: NSD2-related condition; NSD2 related disorders.

Submission:

PreventionGenetics, part of Exact Sciences
Classification: Likely benign for NSD2-related condition. Last evaluated: 2024-05-29. Review status: no assertion criteria provided. Collection method: clinical testing. Allele origin: germline.
Comment: This variant is classified as likely benign based on ACMG/AMP sequence variant interpretation guidelines (Richards et al. 2015 PMID: 25741868, with internal and published modifications).

NM_001042424.3(NSD2):c.1675-11_1675-10del

Gene: NSD2 (nuclear receptor binding SET domain protein 2; plus strand). Cytogenetic location: 4p16.3.
Variant type: Deletion.
Coding change: c.1675-11_1675-10del on transcript NM_001042424.3 (MANE Select); 11 bases into the intron before coding-DNA position 1675 through 10 bases into the intron before coding-DNA position 1675, 2 bases deleted (TT; older notation c.1675-11_1675-10delTT).
Molecular consequence: intron variant.
Genome position (GRCh38, 1-based): chr4:1,938,440-1,938,441, TT deleted; deleting any 2 consecutive bases within chr4:1,938,417-1,938,441 gives the same sequence; the c. name uses the placement nearest the transcript's 3' end. VCF-style (leftmost placement, unchanged base first): chr4-1938416-CTT-C. GRCh37 (hg19) VCF-style: chr4-1940143-CTT-C.
Other names: c.1675-11_1675-10del (NM_001440892.1, NM_001440894.1, NM_001440895.1 and 6 more transcripts); c.1774-11_1774-10del (NM_001440893.1); c.706-11_706-10del (NM_001440900.1, NM_001440899.1); c.1674+3178_1674+3179del (NM_001440897.1, NM_001440898.1).
Identifiers: ClinVar variation 3055702 (VCV003055702.2), dbSNP rs746279426, ClinGen allele CA2812187.
Genomic context (GRCh38, chr4:1,938,416, plus strand): 5'-TTTCCTTTTGTTGTTCTTTTTCTTTTTTTTTCCTTTTTTTCTTTTCTTTTTTTTTTCTTT[CTT>C]TTTTTTTTTTTTTTTTTTTTTTTAAATAATAGAGAGACACAATCACTGACAAAACGGCCA-3'